The following is an entry in ClinVar:

ClinVar aggregate classification (germline): Likely benign (1 of 4 stars; one submission).

gnomAD v4.1: 41 of 1,614,122 alleles (0.0025%); highest among the groups gnomAD compares: Middle Eastern, 0.016%; no homozygotes.

Submission:

CeGaT Center for Human Genetics Tuebingen
Classification: Likely benign. Last evaluated: 2025-10-01. Review status: criteria provided, single submitter. Criteria: CeGaT Center For Human Genetics Tuebingen Variant Classification Criteria Version 2. Collection method: clinical testing. Allele origin: germline. Affected: yes. Observed: 1 variant allele.
Comment: SMOX: BP4, BP7

NM_175839.3(SMOX):c.51C>T (p.Arg17=)

Gene: SMOX (spermine oxidase; plus strand). Cytogenetic location: 20p13.
Variant type: single nucleotide variant.
Coding change: c.51C>T on transcript NM_175839.3 (MANE Select); coding-DNA position 51, C replaced by T.
Protein change: p.Arg17=; no amino-acid change (arginine 17 retained).
Molecular consequence: synonymous variant.
Genome position (GRCh38, 1-based): chr20:4,175,106, C>T. VCF-style: chr20-4175106-C-T. GRCh37 (hg19) VCF-style: chr20-4155753-C-T.
Other names: c.51C>T, p.Arg17= (NM_001270691.2, NM_175840.3, NM_175841.3 and 1 more transcripts).
Identifiers: ClinVar variation 4533661 (VCV004533661.6).